The following is an entry in ClinVar:

NM_021973.3(HAND2):c.282del (p.Pro95fs)

Genes: HAND2 (heart and neural crest derivatives expressed 2; minus strand), HAND2-AS1 (HAND2 antisense RNA 1; plus strand). Cytogenetic location: 4q34.1.
Variant type: Deletion.
Coding change: c.282del on transcript NM_021973.3 (MANE Select); coding-DNA position 282, one base deleted (G; older notation c.282delG).
Protein change: p.Pro95fs; shifts the reading frame from proline 95.
Molecular consequence: frameshift variant.
Genome position (GRCh38, 1-based): chr4:173,529,008, C deleted on the plus strand (G on the coding strand, the reverse complement: HAND2 is on the minus strand); the first of 7 consecutive C bases (chr4:173,529,008-173,529,014); deleting any one gives the same sequence. VCF-style (leftmost placement, unchanged base first): chr4-173529007-GC-G. GRCh37 (hg19) VCF-style: chr4-174450158-GC-G.
Other names: short protein forms P95fs.
Identifiers: ClinVar variation 3353539 (VCV003353539.1).
Genomic context (GRCh38, chr4:173,529,007, plus strand): 5'-TGCTCTGAGTCCTGCGCCGCTCCTTGCGGTTGGCGGTGCCTCGGCGCTTCACCGGGCGCG[GC>G]CCCCCCAGGCCCGGGGGCCCGGCGCCCGGCGGCACCCCCCCGTAATGGGAGTGGTCCAGG-3'

ClinVar aggregate classification (germline): Uncertain significance (0 of 4 stars; one submission).

Conditions:
HAND2-related disorder. Also called: HAND2-related condition.

Submission:

PreventionGenetics, part of Exact Sciences
Classification: Uncertain significance for HAND2-related condition. Last evaluated: 2024-03-04. Review status: no assertion criteria provided. Collection method: clinical testing. Allele origin: germline.
Comment: The HAND2 c.282delG variant is predicted to result in a frameshift and premature protein termination (p.Gly94Glyfs*5). To our knowledge, this variant has not been reported in the literature or in a large population database, indicating this variant is rare. Loss-of-function has not been established as a disease mechanism for this gene, and therefore the clinical significance of this variant is currently uncertain due to the absence of conclusive functional and genetic evidence.